The following is an entry in ClinVar:

ClinVar aggregate classification (germline): Benign (1 of 4 stars; one submission).

Allele frequency attached by ClinVar (database versions not stated): 1000 Genomes Project 0.00379; gnomAD exomes 0.00062; gnomAD 0.00069; TOPMed 0.00088; ExAC 0.00118; 1000 Genomes Project 30x 0.00344.
gnomAD v4.1: 1,013 of 1,601,828 alleles (0.063%); highest among the groups gnomAD compares: East Asian, 1.7%; 12 homozygotes.

Submission:

CeGaT Center for Human Genetics Tuebingen
Classification: Benign. Last evaluated: 2024-02-01. Review status: criteria provided, single submitter. Criteria: CeGaT Center For Human Genetics Tuebingen Variant Classification Criteria Version 2. Collection method: clinical testing. Allele origin: germline. Affected: yes. Observed: 1 variant allele.
Comment: KRTAP10-1: BP4, BS1, BS2

NM_198691.3(KRTAP10-1):c.754T>C (p.Cys252Arg)

Genes: KRTAP10-1 (keratin associated protein 10-1; minus strand), TSPEAR (thrombospondin type laminin G domain and EAR repeats; minus strand). Cytogenetic location: 21q22.3.
Variant type: single nucleotide variant.
Coding change: c.754T>C on transcript NM_198691.3 (MANE Select); coding-DNA position 754, T replaced by C.
Protein change: p.Cys252Arg; replaces cysteine 252 with arginine.
Molecular consequence: missense variant. On other transcripts: intron variant (2).
Genome position (GRCh38, 1-based): chr21:44,539,397, A>G on the plus strand (T>C on the coding strand, the complement: KRTAP10-1 is on the minus strand). VCF-style: chr21-44539397-A-G. GRCh37 (hg19) VCF-style: chr21-45959280-A-G.
Other names: c.100-5474T>C (NM_001272037.2); c.304-5474T>C (NM_144991.3); short protein forms C252R.
Identifiers: ClinVar variation 3025016 (VCV003025016.22), dbSNP rs116872980, ClinGen allele CA10057156.